The following is an entry in ClinVar:

NM_001323289.2(CDKL5):c.364dup (p.Ala122fs)

Gene: CDKL5 (cyclin dependent kinase like 5; plus strand). Cytogenetic location: Xp22.13.
Variant type: Duplication.
Coding change: c.364dup on transcript NM_001323289.2 (MANE Select); coding-DNA position 364, one base duplicated (G; older notation c.364dupG).
Protein change: p.Ala122fs; shifts the reading frame from alanine 122.
Molecular consequence: frameshift variant.
Genome position (GRCh38, 1-based): chrX:18,579,929, G duplicated; the last of 2 consecutive G bases (chrX:18,579,928-18,579,929); duplicating either gives the same sequence. VCF-style (leftmost placement, unchanged base first): chrX-18579927-A-AG. GRCh37 (hg19) VCF-style: chrX-18598047-A-AG.
Other names: NM_003159.3:c.364dup; c.364dup, p.Ala122fs (NM_001037343.2, NM_003159.3); short protein forms A122fs.
Identifiers: ClinVar variation 3602056 (VCV003602056.1).

ClinVar aggregate classification (germline): Pathogenic (1 of 4 stars; one submission).

Conditions:
CDKL5 disorder. Identifiers: MedGen CN296942, MONDO:0100039.

Submission:

Centre for Population Genomics, CPG
Classification: Pathogenic for CDKL5 disorder. Last evaluated: 2025-01-13. Review status: criteria provided, single submitter. Criteria: McKnight et al. (Hum Mutat. 2022). Collection method: curation. Allele origin: germline. Inheritance: X-linked inheritance.
Comment: Based on the classification scheme defined by the ClinGen Rett/Angelman-like Expert Panel for Rett/AS-like Disorders Specifications to the ACMG/AMP Variant Interpretation Guidelines VCEP 3.0, this variant is classified as pathogenic. At least the following criteria are met: Predicted to result in loss of function, and LOF is a known mechanism of disease (PVS1). This variant has been identified as a de novo occurrence in an individual with CDKL5 disorder without confirmation of paternity and maternity (PM6) (PMID: 32111237). This variant is absent from gnomAD (PM2_Supporting).